The following is an entry in ClinVar:

NM_000179.3(MSH6):c.3922_3940dup (p.Gln1314fs)

Gene: MSH6 (mutS homolog 6; plus strand). Cytogenetic location: 2p16.3.
Variant type: Duplication.
Coding change: c.3922_3940dup on transcript NM_000179.3 (MANE Select); coding-DNA positions 3922 to 3940, 19 bases duplicated (CTCCCAGAGGAAGTTATTC).
Protein change: p.Gln1314fs; shifts the reading frame from glutamine 1314.
Molecular consequence: frameshift variant.
Genome position (GRCh38, 1-based): chr2:47,806,572-47,806,590, CTCCCAGAGGAAGTTATTC duplicated. VCF-style (leftmost placement, unchanged base first): chr2-47806571-T-TCTCCCAGAGGAAGTTATTC. GRCh37 (hg19) VCF-style: chr2-48033710-T-TCTCCCAGAGGAAGTTATTC.
Other names: c.3922_3940dupCTCCCAGAGGAAGTTATTC (NM_000179.2); c.3532_3550dup, p.Gln1184fs (NM_001281492.2); c.3016_3034dup, p.Gln1012fs (NM_001281493.2, NM_001281494.2); short protein forms Q1314fs, Q1012fs, Q1184fs.
Identifiers: ClinVar variation 433928 (VCV000433928.12), dbSNP rs1553333598, ClinGen allele CA645372557.

ClinVar aggregate classification (germline): Pathogenic. Review status: criteria provided, multiple submitters, no conflicts (2 of 4 stars). 5 submissions from 5 submitters: Pathogenic (4). 1 of the submissions does not count toward it. Last evaluated 2023-08-28.

Conditions:
Hereditary nonpolyposis colorectal neoplasms. Identifiers: MedGen C0009405, MeSH D003123.
Carcinoma of colon (CRC). Also called: Colon carcinoma; Colonic carcinoma. Identifiers: MedGen C0699790, MONDO:0002032.
Lynch syndrome 5 (LYNCH5). Also called: Colorectal cancer, hereditary nonpolyposis, type 5; Hereditary non-polyposis colorectal cancer, type 5. Identifiers: Orphanet 144, MedGen C1833477, MONDO:0013710, OMIM 614350. Disease mechanism: loss of function.
Endometrial carcinoma. Also called: Endometrial carcinoma, somatic. Identifiers: MedGen C0476089, MONDO:0002447, OMIM 608089, HP:0012114.

Submissions (5):

Myriad Genetics, Inc.
Classification: Pathogenic for Lynch syndrome 5. Last evaluated: 2023-08-28. Review status: criteria provided, single submitter. Criteria: Myriad Autosomal Dominant, Autosomal Recessive and X-Linked Classification Criteria (2023). Collection method: clinical testing. Allele origin: unknown.
Comment: This variant is considered pathogenic. This variant creates a frameshift predicted to result in premature protein truncation.

Baylor Genetics
Classification: Pathogenic for Endometrial carcinoma. Last evaluated: 2023-03-01. Review status: criteria provided, single submitter. Criteria: ACMG Guidelines, 2015. Collection method: clinical testing. Allele origin: unknown.

Labcorp Genetics (formerly Invitae), Labcorp
Classification: Pathogenic for Hereditary nonpolyposis colorectal neoplasms. Last evaluated: 2022-06-21. Review status: criteria provided, single submitter. Criteria: Invitae Variant Classification Sherloc (09022015). Collection method: clinical testing. Allele origin: germline.
Comment: For these reasons, this variant has been classified as Pathogenic. This sequence change creates a premature translational stop signal (p.Gln1314Profs*11) in the MSH6 gene. While this is not anticipated to result in nonsense mediated decay, it is expected to disrupt the last 47 amino acid(s) of the MSH6 protein. This variant is not present in population databases (gnomAD no frequency). This premature translational stop signal has been observed in individual(s) with Lynch syndrome (PMID: 30608896). ClinVar contains an entry for this variant (Variation ID: 433928). This variant disrupts a region of the MSH6 protein in which other variant(s) (p.Arg1334Serfs*7) have been determined to be pathogenic (Invitae). This suggests that this is a clinically significant region of the protein, and that variants that disrupt it are likely to be disease-causing.

Centre for Mendelian Genomics, University Medical Centre Ljubljana
Classification: Pathogenic for Endometrial carcinoma. Last evaluated: 2016-01-01. Review status: criteria provided, single submitter. Criteria: ACMG Guidelines, 2015. Collection method: clinical testing. Allele origin: unknown. Affected: yes.
Comment: This variant was classified as: Pathogenic. The following ACMG criteria were applied in classifying this variant: PVS1,PM2,PP4,PP5.

Department of Pathology and Laboratory Medicine, Sinai Health System
Classification: Pathogenic for Carcinoma of colon. Review status: no assertion criteria provided. Collection method: clinical testing. Allele origin: unknown. Affected: yes. Study: The Canadian Open Genetics Repository (COGR). Not counted in ClinVar's aggregate classification.
Comment: The MSH6 p.Gln1314ProfsX11 variant was not identified in the literature, nor was it identified in dbSNP, HGMD, UMD, â€šÃ„ÃºMismatch Repair Genes Variant Databaseâ€šÃ„Ã¹, â€šÃ„ÃºInSiGHT Colon Cancer Databaseâ€šÃ„Ã¹, â€šÃ„ÃºMMR Gene Unclassified Variants Databaseâ€šÃ„Ã¹, or COSMIC database. The p.Gln1314ProfsX11 variant is predicted to cause a frameshift, which alters the protein's amino acid sequence beginning at codon 1314 and leads to a premature stop codon 11 codons downstream. This alteration is then predicted to result in a truncated or absent protein and loss of function. Loss of function variants of the MSH6 gene are an established mechanism of disease in Lynch syndrome and this is the type of variant expected to cause the disorder. In summary, based on the above information, this variant meets our laboratoryâ€šÃ„Ã´s criteria to be classified as pathogenic.

Literature cited by the submitters: PubMed 30608896 (cited by Labcorp Genetics (formerly Invitae), Labcorp).